The following is an entry in ClinVar:

NM_000553.6(WRN):c.2996G>C (p.Arg999Pro)

Gene: WRN (WRN RecQ like helicase; plus strand). Cytogenetic location: 8p12.
Variant type: single nucleotide variant.
Coding change: c.2996G>C on transcript NM_000553.6 (MANE Select); coding-DNA position 2996, G replaced by C.
Protein change: p.Arg999Pro; replaces arginine 999 with proline.
Molecular consequence: missense variant.
Genome position (GRCh38, 1-based): chr8:31,141,458, G>C. VCF-style: chr8-31141458-G-C. GRCh37 (hg19) VCF-style: chr8-30998974-G-C.
Other names: short protein forms R999P.
Identifiers: ClinVar variation 1464044 (VCV001464044.6), dbSNP rs769665299, ClinGen allele CA370921764.

ClinVar aggregate classification (germline): Uncertain significance (1 of 4 stars; one submission).

Conditions:
Werner syndrome (WRN). Identifiers: Orphanet 902, MedGen C0043119, MONDO:0010196, OMIM 277700.

gnomAD v4.1: 1 of 1,613,788 alleles (0.000062%); highest among the groups gnomAD compares: African/African-American, 0.0013%; no homozygotes.

Submission:

Labcorp Genetics (formerly Invitae), Labcorp
Classification: Uncertain significance for Werner syndrome. Last evaluated: 2022-11-10. Review status: criteria provided, single submitter. Criteria: Invitae Variant Classification Sherloc (09022015). Collection method: clinical testing. Allele origin: germline.
Comment: Algorithms developed to predict the effect of missense changes on protein structure and function are either unavailable or do not agree on the potential impact of this missense change (SIFT: "Not Available"; PolyPhen-2: "Probably Damaging"; Align-GVGD: "Not Available"). In summary, the available evidence is currently insufficient to determine the role of this variant in disease. Therefore, it has been classified as a Variant of Uncertain Significance. This variant is not present in population databases (gnomAD no frequency). ClinVar contains an entry for this variant (Variation ID: 1464044). This variant has not been reported in the literature in individuals affected with WRN-related conditions. This sequence change replaces arginine, which is basic and polar, with proline, which is neutral and non-polar, at codon 999 of the WRN protein (p.Arg999Pro).